The following is an entry in ClinVar:

ClinVar aggregate classification (germline): Pathogenic (1 of 4 stars; one submission).

Conditions:
Marfan syndrome (MFS). Also called: MARFAN SYNDROME, TYPE I; Marfan syndrome type 1; Marfan's syndrome; Marfan syndrome, classic; FBN1-Related Marfan Syndrome. Identifiers: Orphanet 284963, Orphanet 558, MedGen C0024796, MONDO:0007947, OMIM 154700.
Familial thoracic aortic aneurysm and aortic dissection (TAAD). Also called: Thoracic aortic aneurysms and dissections. Identifiers: Orphanet 91387, MedGen C4707243, MONDO:0019625.

Submission:

Labcorp Genetics (formerly Invitae), Labcorp
Classification: Pathogenic for Marfan syndrome; Familial thoracic aortic aneurysm and aortic dissection. Last evaluated: 2021-05-19. Review status: criteria provided, single submitter. Criteria: Invitae Variant Classification Sherloc (09022015). Collection method: clinical testing. Allele origin: germline.
Comment: For these reasons, this variant has been classified as Pathogenic. This variant disrupts the p.Ala1728 amino acid residue in FBN1. Other variant(s) that disrupt this residue have been determined to be pathogenic (PMID: 21683322, 27245183). This suggests that this residue is clinically significant, and that variants that disrupt this residue are likely to be disease-causing. Advanced modeling of protein sequence and biophysical properties (such as structural, functional, and spatial information, amino acid conservation, physicochemical variation, residue mobility, and thermodynamic stability) performed at Invitae indicates that this missense variant is expected to disrupt FBN1 protein function. This variant has been observed in individual(s) with Marfan syndrome (PMID: 19159394, Invitae). This variant is not present in population databases (ExAC no frequency). This sequence change replaces alanine with proline at codon 1728 of the FBN1 protein (p.Ala1728Pro). The alanine residue is highly conserved and there is a small physicochemical difference between alanine and proline.

Literature cited by the submitters: PubMed 21683322; PubMed 27245183; PubMed 19159394.

NM_000138.5(FBN1):c.5182G>C (p.Ala1728Pro)

Gene: FBN1 (fibrillin 1; minus strand). Cytogenetic location: 15q21.1.
Variant type: single nucleotide variant.
Coding change: c.5182G>C on transcript NM_000138.5 (MANE Select); coding-DNA position 5182, G replaced by C.
Protein change: p.Ala1728Pro; replaces alanine 1728 with proline.
Molecular consequence: missense variant.
Genome position (GRCh38, 1-based): chr15:48,463,124, C>G on the plus strand (G>C on the coding strand, the complement: FBN1 is on the minus strand). VCF-style: chr15-48463124-C-G. GRCh37 (hg19) VCF-style: chr15-48755321-C-G.
Other names: short protein forms A1728P.
Identifiers: ClinVar variation 1431497 (VCV001431497.8), dbSNP rs387906624, ClinGen allele CA392349123.